The following is an entry in ClinVar:

ClinVar aggregate classification (germline): Uncertain significance. Review status: criteria provided, multiple submitters, no conflicts (2 of 4 stars). 3 submissions from 3 submitters: Uncertain significance (2). 1 of the submissions does not count toward it. Last evaluated 2025-12-21.

Conditions:
Hereditary cancer-predisposing syndrome. Also called: Neoplastic Syndromes, Hereditary; Hereditary Cancer Syndrome; Tumor predisposition; Hereditary neoplastic syndrome. Identifiers: Orphanet 140162, MedGen C0027672, MeSH D009386, MONDO:0015356.
Ataxia-telangiectasia syndrome (AT). Also called: Ataxia-telangiectasia, complementation group D; AT, COMPLEMENTATION GROUP C; Ataxia-telangiectasia, complementation group E; Cerebello-oculocutaneous telangiectasia; Immunodeficiency with ataxia telangiectasia; ATAXIA-TELANGIECTASIA, COMPLEMENTATION GROUP A. Identifiers: Orphanet 100, MedGen C0004135, MONDO:0008840, OMIM 208900.

Allele frequency attached by ClinVar (database versions not stated): gnomAD exomes below 0.00001.
gnomAD v4.1: 1 of 1,613,842 alleles (0.000062%); highest among the groups gnomAD compares: Non-Finnish European, 0.000085%; no homozygotes.

Submissions (3):

Labcorp Genetics (formerly Invitae), Labcorp
Classification: Uncertain significance for Ataxia-telangiectasia syndrome. Last evaluated: 2025-12-21. Review status: criteria provided, single submitter. Criteria: Invitae Variant Classification Sherloc (09022015). Collection method: clinical testing. Allele origin: germline.
Comment: This sequence change replaces asparagine, which is neutral and polar, with serine, which is neutral and polar, at codon 1044 of the ATM protein (p.Asn1044Ser). This variant is not present in population databases (gnomAD no frequency). This variant has not been reported in the literature in individuals affected with ATM-related conditions. ClinVar contains an entry for this variant (Variation ID: 582616). Invitae Evidence Modeling of protein sequence and biophysical properties (such as structural, functional, and spatial information, amino acid conservation, physicochemical variation, residue mobility, and thermodynamic stability) indicates that this missense variant is not expected to disrupt ATM protein function with a negative predictive value of 95%. Algorithms developed to predict the effect of sequence changes on RNA splicing suggest that this variant may create or strengthen a splice site. In summary, the available evidence is currently insufficient to determine the role of this variant in disease. Therefore, it has been classified as a Variant of Uncertain Significance.

Ambry Genetics
Classification: Uncertain significance for Hereditary cancer-predisposing syndrome. Last evaluated: 2021-12-11. Review status: criteria provided, single submitter. Criteria: Ambry Variant Classification Scheme 2023. Collection method: clinical testing. Allele origin: germline.
Comment: The p.N1044S variant (also known as c.3131A>G), located in coding exon 20 of the ATM gene, results from an A to G substitution at nucleotide position 3131. The asparagine at codon 1044 is replaced by serine, an amino acid with highly similar properties. This amino acid position is conserved. In addition, this alteration is predicted to be tolerated by in silico analysis. Since supporting evidence is limited at this time, the clinical significance of this alteration remains unclear.

Natera, Inc.
Classification: Uncertain significance for Ataxia-telangiectasia. Last evaluated: 2021-01-29. Review status: no assertion criteria provided. Collection method: clinical testing. Allele origin: germline. Not counted in ClinVar's aggregate classification.

NM_000051.4(ATM):c.3131A>G (p.Asn1044Ser)

Gene: ATM (ATM serine/threonine kinase; plus strand). Cytogenetic location: 11q22.3.
Variant type: single nucleotide variant.
Coding change: c.3131A>G on transcript NM_000051.4 (MANE Select); coding-DNA position 3131, A replaced by G.
Protein change: p.Asn1044Ser; replaces asparagine 1044 with serine.
Molecular consequence: missense variant.
Genome position (GRCh38, 1-based): chr11:108,272,585, A>G. VCF-style: chr11-108272585-A-G. GRCh37 (hg19) VCF-style: chr11-108143312-A-G.
Other names: c.3131A>G, p.Asn1044Ser (NM_001351834.2); short protein forms N1044S.
Identifiers: ClinVar variation 582616 (VCV000582616.16), dbSNP rs1565427876, ClinGen allele CA382515276.